The following is an entry in ClinVar:

ClinVar aggregate classification (germline): Uncertain significance (1 of 4 stars; one submission).

Conditions:
IFT172-related disorder. Also called: IFT172-related disorders; IFT172-related condition.

gnomAD v4.1: 1 of 1,614,106 alleles (0.000062%); highest among the groups gnomAD compares: Non-Finnish European, 0.000085%; no homozygotes.

Submission:

PreventionGenetics, part of Exact Sciences
Classification: Uncertain significance for IFT172-related condition. Last evaluated: 2025-08-12. Review status: criteria provided, single submitter. Criteria: ACMG Guidelines, 2015. Collection method: clinical testing. Allele origin: germline.
Comment: The IFT172 c.1721G>A variant is predicted to result in the amino acid substitution p.Gly574Glu. To our knowledge, this variant has not been reported in the literature. This variant is reported in 0.00088% of alleles in individuals of European (Non-Finnish) descent in gnomAD. At this time, the clinical significance of this variant is uncertain due to the absence of conclusive functional and genetic evidence.

NM_015662.3(IFT172):c.1721G>A (p.Gly574Glu)

Gene: IFT172 (intraflagellar transport 172; minus strand). Cytogenetic location: 2p23.3.
Variant type: single nucleotide variant.
Coding change: c.1721G>A on transcript NM_015662.3 (MANE Select); coding-DNA position 1721, G replaced by A.
Protein change: p.Gly574Glu; replaces glycine 574 with glutamic acid.
Molecular consequence: missense variant.
Genome position (GRCh38, 1-based): chr2:27,465,854, C>T on the plus strand (G>A on the coding strand, the complement: IFT172 is on the minus strand). VCF-style: chr2-27465854-C-T. GRCh37 (hg19) VCF-style: chr2-27688721-C-T.
Other names: c.1655G>A, p.Gly552Glu (NM_001410739.1); short protein forms G574E, G552E.
Identifiers: ClinVar variation 5001192 (VCV005001192.1).